The following is an entry in ClinVar:

NM_017780.4(CHD7):c.8759G>A (p.Gly2920Glu)

Gene: CHD7 (chromodomain helicase DNA binding protein 7; plus strand). Cytogenetic location: 8q12.2.
Variant type: single nucleotide variant.
Coding change: c.8759G>A on transcript NM_017780.4 (MANE Select); coding-DNA position 8759, G replaced by A.
Protein change: p.Gly2920Glu; replaces glycine 2920 with glutamic acid.
Molecular consequence: missense variant.
Genome position (GRCh38, 1-based): chr8:60,865,698, G>A. VCF-style: chr8-60865698-G-A. GRCh37 (hg19) VCF-style: chr8-61778257-G-A.
Other names: c.2612G>A, p.Gly871Glu (NM_001316690.1); short protein forms G2920E, G871E.
Identifiers: ClinVar variation 3368928 (VCV003368928.1).

ClinVar aggregate classification (germline): Uncertain significance (1 of 4 stars; one submission).

Submission:

GeneDx
Classification: Uncertain significance. Last evaluated: 2024-02-08. Review status: criteria provided, single submitter. Criteria: GeneDx Variant Classification Process June 2021. Collection method: clinical testing. Allele origin: germline. Affected: yes.
Comment: Not observed at significant frequency in large population cohorts (gnomAD); In silico analysis supports that this missense variant does not alter protein structure/function; Has not been previously published as pathogenic or benign to our knowledge